The following is an entry in ClinVar:

NM_000161.3(GCH1):c.509+2795T>A

Gene: GCH1 (GTP cyclohydrolase 1; minus strand). Cytogenetic location: 14q22.2.
Variant type: single nucleotide variant.
Coding change: c.509+2795T>A on transcript NM_000161.3 (MANE Select); 2795 bases into the intron after coding-DNA position 509, T replaced by A.
Molecular consequence: intron variant.
Genome position (GRCh38, 1-based): chr14:54,856,886, A>T on the plus strand (T>A on the coding strand, the complement: GCH1 is on the minus strand). VCF-style: chr14-54856886-A-T. GRCh37 (hg19) VCF-style: chr14-55323604-A-T.
Other names: c.509+2795T>A (NM_001024071.2, NM_001024070.2, NM_001024024.2).
Identifiers: ClinVar variation 2431713 (VCV002431713.1), dbSNP rs2039820424, ClinGen allele CA2138224037.

ClinVar aggregate classification (germline): Uncertain significance (1 of 4 stars; one submission).

Conditions:
Dystonia 5 (DRD). Also called: DYSTONIA, PROGRESSIVE, WITH DIURNAL VARIATION; DYSTONIA-PARKINSONISM WITH DIURNAL FLUCTUATION; GTP Cyclohydrolase 1-Deficient Dopa-Responsive Dystonia; Dystonia, DOPA-responsive, with or without hyperphenylalaninemia; DYT-GCH1. Identifiers: Orphanet 98808, MedGen C1851920, MONDO:0007495, OMIM 128230.

Allele frequency attached by ClinVar (database versions not stated): TOPMed below 0.00001.

Submission:

Laboratorio de Genetica e Diagnostico Molecular, Hospital Israelita Albert Einstein
Classification: Uncertain significance for Dystonia 5. Last evaluated: 2022-03-08. Review status: criteria provided, single submitter. Criteria: ACMG Guidelines, 2015. Collection method: clinical testing. Allele origin: germline. Affected: yes. Observed: 1 variant allele.
Comment: ACMG classification criteria: PM2